The following is an entry in ClinVar:

NM_004523.4(KIF11):c.1460G>A (p.Ser487Asn)

Gene: KIF11 (kinesin family member 11; plus strand). Cytogenetic location: 10q23.33.
Variant type: single nucleotide variant.
Coding change: c.1460G>A on transcript NM_004523.4 (MANE Select); coding-DNA position 1460, G replaced by A.
Protein change: p.Ser487Asn; replaces serine 487 with asparagine.
Molecular consequence: missense variant.
Genome position (GRCh38, 1-based): chr10:92,630,330, G>A. VCF-style: chr10-92630330-G-A. GRCh37 (hg19) VCF-style: chr10-94390087-G-A.
Other names: short protein forms S487N.
Identifiers: ClinVar variation 2780662 (VCV002780662.3), dbSNP rs780874784, ClinGen allele CA5604198.

ClinVar aggregate classification (germline): Uncertain significance (1 of 4 stars; one submission).

Allele frequency attached by ClinVar (database versions not stated): TOPMed below 0.00001.
gnomAD v4.1: 4 of 1,591,048 alleles (0.00025%); highest among the groups gnomAD compares: Admixed American, 0.0056%; no homozygotes.

Submission:

Labcorp Genetics (formerly Invitae), Labcorp
Classification: Uncertain significance. Last evaluated: 2022-12-18. Review status: criteria provided, single submitter. Criteria: Invitae Variant Classification Sherloc (09022015). Collection method: clinical testing. Allele origin: germline.
Comment: This sequence change replaces serine, which is neutral and polar, with asparagine, which is neutral and polar, at codon 487 of the KIF11 protein (p.Ser487Asn). This variant is present in population databases (rs780874784, gnomAD 0.007%). This variant has not been reported in the literature in individuals affected with KIF11-related conditions. Advanced modeling of protein sequence and biophysical properties (such as structural, functional, and spatial information, amino acid conservation, physicochemical variation, residue mobility, and thermodynamic stability) performed at Invitae indicates that this missense variant is not expected to disrupt KIF11 protein function. In summary, the available evidence is currently insufficient to determine the role of this variant in disease. Therefore, it has been classified as a Variant of Uncertain Significance.